The following is an entry in ClinVar:

NM_006231.4(POLE):c.1159A>G (p.Ile387Val)

Gene: POLE (DNA polymerase epsilon, catalytic subunit; minus strand). Cytogenetic location: 12q24.33.
Variant type: single nucleotide variant.
Coding change: c.1159A>G on transcript NM_006231.4 (MANE Select); coding-DNA position 1159, A replaced by G.
Protein change: p.Ile387Val; replaces isoleucine 387 with valine.
Molecular consequence: missense variant.
Genome position (GRCh38, 1-based): chr12:132,675,465, T>C on the plus strand (A>G on the coding strand, the complement: POLE is on the minus strand). VCF-style: chr12-132675465-T-C. GRCh37 (hg19) VCF-style: chr12-133252051-T-C.
Other names: short protein forms I387V.
Identifiers: ClinVar variation 4774928 (VCV004774928.1).

ClinVar aggregate classification (germline): Uncertain significance (1 of 4 stars; one submission).

Submission:

Labcorp Genetics (formerly Invitae), Labcorp
Classification: Uncertain significance. Last evaluated: 2025-12-06. Review status: criteria provided, single submitter. Criteria: Invitae Variant Classification Sherloc (09022015). Collection method: clinical testing. Allele origin: germline.
Comment: This sequence change replaces isoleucine, which is neutral and non-polar, with valine, which is neutral and non-polar, at codon 387 of the POLE protein (p.Ile387Val). This variant is present in population databases (no rsID available, gnomAD 0.007%). This variant has not been reported in the literature in individuals affected with POLE-related conditions. Invitae Evidence Modeling of protein sequence and biophysical properties (such as structural, functional, and spatial information, amino acid conservation, physicochemical variation, residue mobility, and thermodynamic stability) indicates that this missense variant is not expected to disrupt POLE protein function with a negative predictive value of 80%. In summary, the available evidence is currently insufficient to determine the role of this variant in disease. Therefore, it has been classified as a Variant of Uncertain Significance.